The following is an entry in ClinVar:

ClinVar aggregate classification (germline): Conflicting classifications of pathogenicity. Review status: criteria provided, conflicting classifications (1 of 4 stars). 2 submissions from 2 submitters: Likely pathogenic (1); Uncertain significance (1). Last evaluated 2018-08-18.

Conditions:
RASopathy. Also called: rasopathies; Noonan spectrum disorder. Identifiers: Orphanet 536391, MedGen C5555857, MONDO:0021060.

Submissions (2):

Labcorp Genetics (formerly Invitae), Labcorp
Classification: Likely pathogenic for RASopathy. Last evaluated: 2018-08-18. Review status: criteria provided, single submitter. Criteria: Invitae Variant Classification Sherloc (09022015). Collection method: clinical testing. Allele origin: germline.
Comment: This evidence indicates that the variant is pathogenic, but additional data is needed to prove that conclusively. Therefore, this variant has been classified as Likely Pathogenic. Algorithms developed to predict the effect of missense changes on protein structure and function (SIFT, PolyPhen-2, Align-GVGD) all suggest that this variant is likely to be disruptive, but these predictions have not been confirmed by published functional studies. This variant is not present in population databases (ExAC no frequency) and has not been reported in the literature in individuals with a KRAS-related disease. This sequence change replaces alanine with serine at codon 146 of the KRAS protein (p.Ala146Ser). The alanine residue is highly conserved and there is a moderate physicochemical difference between alanine and serine.

CeGaT Center for Human Genetics Tuebingen
Classification: Uncertain significance. Last evaluated: 2017-09-01. Review status: criteria provided, single submitter. Criteria: CeGaT Center For Human Genetics Tuebingen Variant Classification Criteria Version 2. Collection method: clinical testing. Allele origin: germline. Affected: yes. Observed: 1 variant allele.

NM_033360.4(KRAS):c.436G>T (p.Ala146Ser)

Gene: KRAS (KRas proto-oncogene, GTPase; minus strand). Cytogenetic location: 12p12.1.
Variant type: single nucleotide variant.
Coding change: c.436G>T on transcript NM_033360.4 (MANE Plus Clinical); coding-DNA position 436, G replaced by T.
Protein change: p.Ala146Ser; replaces alanine 146 with serine.
Molecular consequence: missense variant.
Genome position (GRCh38, 1-based): chr12:25,225,628, C>A on the plus strand (G>T on the coding strand, the complement: KRAS is on the minus strand). VCF-style: chr12-25225628-C-A. GRCh37 (hg19) VCF-style: chr12-25378562-C-A.
Other names: c.436G>T, p.Ala146Ser (LRG_344t1, LRG_344t2, NM_001369786.1 and 2 more transcripts); short protein forms A146S.
Identifiers: ClinVar variation 40461 (VCV000040461.49), dbSNP rs121913527, ClinGen allele CA16609691.